The following is an entry in ClinVar:

ClinVar aggregate classification (germline): Benign/Likely benign. Review status: criteria provided, multiple submitters, no conflicts (2 of 4 stars). 8 submissions from 7 submitters: Benign (5); Likely benign (2). 1 of the submissions does not count toward it. Last evaluated 2026-01-28.

Conditions:
Spastic paraplegia. Identifiers: MedGen C0037772, HP:0001258.
Stuttering, familial persistent, 1. Also called: STAMMERING. Identifiers: MedGen C3489627, MONDO:0008483, OMIM 184450.
Hereditary spastic paraplegia. Also called: Familial spastic paraparesis. Identifiers: Orphanet 685, MedGen C0037773, MONDO:0019064. Disease mechanism: loss of function.
Hereditary spastic paraplegia 51. Also called: CEREBRAL PALSY, SPASTIC QUADRIPLEGIC, 4; Spastic paraplegia 51, autosomal recessive. Identifiers: Orphanet 280763, MedGen C3151056, MONDO:0013401, OMIM 613744.

Allele frequency attached by ClinVar (database versions not stated): gnomAD exomes 0.00353; ExAC 0.00470; gnomAD 0.01352 and 0.01464; 1000 Genomes Project 0.01438; 1000 Genomes Project 30x 0.01452; TOPMed 0.01545; ESP Exome Variant Server 0.01680.

Submissions (8):

Labcorp Genetics (formerly Invitae), Labcorp
Classification: Benign for Spastic paraplegia. Last evaluated: 2026-01-28. Review status: criteria provided, single submitter. Criteria: Invitae Variant Classification Sherloc (09022015). Collection method: clinical testing. Allele origin: germline.

Mayo Clinic Laboratories, Mayo Clinic
Classification: Benign. Last evaluated: 2023-11-01. Review status: criteria provided, single submitter. Criteria: ACMG Guidelines, 2015. Collection method: clinical testing. Allele origin: germline. Observed: 8 variant alleles.

Genome-Nilou Lab
Classification: Benign for Hereditary spastic paraplegia 51. Last evaluated: 2021-12-05. Review status: criteria provided, single submitter. Criteria: ACMG Guidelines, 2015. Collection method: clinical testing. Allele origin: germline. Affected: no.

Genome-Nilou Lab
Classification: Benign for Stuttering, familial persistent, 1. Last evaluated: 2021-12-05. Review status: criteria provided, single submitter. Criteria: ACMG Guidelines, 2015. Collection method: clinical testing. Allele origin: germline. Affected: no.

Genome Diagnostics Laboratory, The Hospital for Sick Children
Classification: Likely benign for Hereditary spastic paraplegia. Last evaluated: 2018-11-01. Review status: criteria provided, single submitter. Criteria: ACMG Guidelines, 2015. Collection method: clinical testing. Allele origin: germline. Affected: yes.

GeneDx
Classification: Benign. Last evaluated: 2017-10-02. Review status: criteria provided, single submitter. Criteria: GeneDx Variant Classification (06012015). Collection method: clinical testing. Allele origin: germline. Affected: yes.
Comment: This variant is considered likely benign or benign based on one or more of the following criteria: it is a conservative change, it occurs at a poorly conserved position in the protein, it is predicted to be benign by multiple in silico algorithms, and/or has population frequency not consistent with disease.

Breakthrough Genomics
Classification: Likely benign. Review status: criteria provided, single submitter. Criteria: ACMG Guidelines, 2015. Collection method: not provided. Allele origin: germline. Inheritance: Autosomal recessive inheritance. Affected: yes.

Genetic Services Laboratory, University of Chicago
Classification: Likely benign for AllHighlyPenetrant. Review status: no assertion criteria provided. Collection method: clinical testing. Allele origin: germline. Inheritance: Autosomal recessive inheritance. Not counted in ClinVar's aggregate classification.
Comment: Likely benign based on allele frequency in 1000 Genomes Project or ESP global frequency and its presence in a patient with a rare or unrelated disease phenotype. NOT Sanger confirmed.

NM_007347.5(AP4E1):c.1085A>G (p.Tyr362Cys)

Gene: AP4E1 (adaptor related protein complex 4 subunit epsilon 1; plus strand). Cytogenetic location: 15q21.2.
Variant type: single nucleotide variant.
Coding change: c.1085A>G on transcript NM_007347.5 (MANE Select); coding-DNA position 1085, A replaced by G.
Protein change: p.Tyr362Cys; replaces tyrosine 362 with cysteine.
Molecular consequence: missense variant.
Genome position (GRCh38, 1-based): chr15:50,941,684, A>G. VCF-style: chr15-50941684-A-G. GRCh37 (hg19) VCF-style: chr15-51233881-A-G.
Other names: p.Tyr362Cys; c.860A>G, p.Tyr287Cys (NM_001252127.2); short protein forms Y362C, Y287C.
Identifiers: ClinVar variation 128392 (VCV000128392.24), dbSNP rs58909326, ClinGen allele CA151836.
Genomic context (GRCh38, chr15:50,941,684, plus strand): 5'-ATTTGTTTCAATTCACTTTGTATAATGTGTCTTTGTTTCTAGGACTGAAGGCTCTTACCT[A>G]TGTTATCCAACAGGATCCTACTCTGGCTCTTCAACACCAGATGACAATAATTGAATGTTT-3'
Protein context (NP_031373.2, residues 352-372): LKYLGLKALT[Tyr362Cys]VIQQDPTLAL